The following is an entry in ClinVar:

ClinVar aggregate classification (germline): Likely pathogenic (1 of 4 stars; one submission).

Conditions:
RSPH4A-related disorder. Also called: RSPH4A-related condition.

Submission:

PreventionGenetics, part of Exact Sciences
Classification: Likely pathogenic for RSPH4A-related condition. Last evaluated: 2023-01-26. Review status: criteria provided, single submitter. Criteria: ACMG Guidelines, 2015. Collection method: clinical testing. Allele origin: germline.
Comment: The RSPH4A c.235delA variant is predicted to result in a frameshift and premature protein termination (p.Thr79Hisfs*38). To our knowledge, this variant has not been reported in the literature or in a large population database, indicating this variant is rare. Frameshift variants in RSPH4A are expected to be pathogenic. This variant is interpreted as likely pathogenic.

NM_001010892.3(RSPH4A):c.235del (p.Thr79fs)

Gene: RSPH4A (radial spoke head component 4A; plus strand). Cytogenetic location: 6q22.1.
Variant type: Deletion.
Coding change: c.235del on transcript NM_001010892.3 (MANE Select); coding-DNA position 235, one base deleted (A; older notation c.235delA).
Protein change: p.Thr79fs; shifts the reading frame from threonine 79.
Molecular consequence: frameshift variant.
Genome position (GRCh38, 1-based): chr6:116,616,858, A deleted; the last of 3 consecutive A bases (chr6:116,616,856-116,616,858); deleting any one gives the same sequence. VCF-style (leftmost placement, unchanged base first): chr6-116616855-GA-G. GRCh37 (hg19) VCF-style: chr6-116938018-GA-G.
Other names: c.235del, p.Thr79fs (NM_001161664.2); short protein forms T79fs.
Identifiers: ClinVar variation 2630542 (VCV002630542.1), dbSNP rs1775512496, ClinGen allele CA2680117674.